The following is an entry in ClinVar:

ClinVar aggregate classification (germline): Uncertain significance (1 of 4 stars; one submission).

gnomAD v4.1: 17 of 1,613,914 alleles (0.0011%); highest among the groups gnomAD compares: South Asian, 0.0033%; no homozygotes.

Submission:

Labcorp Genetics (formerly Invitae), Labcorp
Classification: Uncertain significance. Last evaluated: 2025-10-12. Review status: criteria provided, single submitter. Criteria: Invitae Variant Classification Sherloc (09022015). Collection method: clinical testing. Allele origin: germline.
Comment: This sequence change replaces arginine, which is basic and polar, with histidine, which is basic and polar, at codon 945 of the C3 protein (p.Arg945His). This variant is present in population databases (rs772981625, gnomAD 0.009%). This variant has not been reported in the literature in individuals affected with C3-related conditions. Invitae Evidence Modeling of protein sequence and biophysical properties (such as structural, functional, and spatial information, amino acid conservation, physicochemical variation, residue mobility, and thermodynamic stability) indicates that this missense variant is not expected to disrupt C3 protein function with a negative predictive value of 80%. In summary, the available evidence is currently insufficient to determine the role of this variant in disease. Therefore, it has been classified as a Variant of Uncertain Significance.

NM_000064.4(C3):c.2834G>A (p.Arg945His)

Gene: C3 (complement C3; minus strand). Cytogenetic location: 19p13.3.
Variant type: single nucleotide variant.
Coding change: c.2834G>A on transcript NM_000064.4 (MANE Select); coding-DNA position 2834, G replaced by A.
Protein change: p.Arg945His; replaces arginine 945 with histidine.
Molecular consequence: missense variant.
Genome position (GRCh38, 1-based): chr19:6,696,622, C>T on the plus strand (G>A on the coding strand, the complement: C3 is on the minus strand). VCF-style: chr19-6696622-C-T. GRCh37 (hg19) VCF-style: chr19-6696633-C-T.
Other names: short protein forms R945H.
Identifiers: ClinVar variation 4737880 (VCV004737880.1).